The following is an entry in ClinVar:

NM_000038.6(APC):c.346G>A (p.Gly116Ser)

Gene: APC (APC regulator of Wnt signaling pathway; plus strand). Cytogenetic location: 5q22.2.
Variant type: single nucleotide variant.
Coding change: c.346G>A on transcript NM_000038.6 (MANE Select); coding-DNA position 346, G replaced by A.
Protein change: p.Gly116Ser; replaces glycine 116 with serine.
Molecular consequence: missense variant. On other transcripts: 5 prime UTR variant (4), non-coding transcript variant (2).
Genome position (GRCh38, 1-based): chr5:112,767,314, G>A. VCF-style: chr5-112767314-G-A. GRCh37 (hg19) VCF-style: chr5-112103011-G-A.
Other names: c.346G>A, p.Gly116Ser (NM_001127510.3, NM_001354895.2, NM_001354896.2 and 16 more transcripts); c.376G>A, p.Gly126Ser (NM_001127511.3, NM_001354897.2, NM_001354902.2 and 1 more transcripts); c.271G>A, p.Gly91Ser (NM_001354898.2, NM_001354904.2, NM_001407451.1); c.169G>A, p.Gly57Ser (NM_001354900.2, NM_001354901.2, NM_001354905.2 and 1 more transcripts); c.-690G>A (NM_001354906.2, NM_001407470.1, NM_001407471.1 and 1 more transcripts); short protein forms G116S, G126S, G57S, G91S.
Identifiers: ClinVar variation 4861511 (VCV004861511.1).
Genomic context (GRCh38, chr5:112,767,314, plus strand): 5'-TATGGAAGCCGGGAAGGATCTGTATCAAGCCGTTCTGGAGAGTGCAGTCCTGTTCCTATG[G>A]GTTCATTTCCAAGAAGAGGGTTTGTAAATGGAAGCAGAGAAAGTACTGGATATTTAGAAG-3'
Protein context (NP_000029.2, residues 106-126): RSGECSPVPM[Gly116Ser]SFPRRGFVNG

ClinVar aggregate classification (germline): Uncertain significance (1 of 4 stars; one submission).

Conditions:
Hereditary cancer-predisposing syndrome. Also called: Neoplastic Syndromes, Hereditary; Tumor predisposition; Hereditary Cancer Syndrome; Hereditary neoplastic syndrome. Identifiers: Orphanet 140162, MedGen C0027672, MeSH D009386, MONDO:0015356.

gnomAD v4.1: 1 of 1,614,096 alleles (0.000062%); highest among the groups gnomAD compares: African/African-American, 0.0013%; no homozygotes.

Submission:

Ambry Genetics
Classification: Uncertain significance for Hereditary cancer-predisposing syndrome. Last evaluated: 2026-05-04. Review status: criteria provided, single submitter. Criteria: Ambry Variant Classification Scheme 2023. Collection method: clinical testing. Allele origin: germline.
Comment: The p.G116S variant (also known as c.346G>A), located in coding exon 3 of the APC gene, results from a G to A substitution at nucleotide position 346. The glycine at codon 116 is replaced by serine, an amino acid with similar properties. This amino acid position is conserved. In addition, in silico predictors for this gene do not accurately predict pathogenicity. Based on the available evidence, the clinical significance of this variant remains unclear.